The following is an entry in ClinVar:

NM_033056.4(PCDH15):c.4463A>G (p.Asn1488Ser)

Gene: PCDH15 (protocadherin related 15; minus strand). Cytogenetic location: 10q21.1.
Variant type: single nucleotide variant.
Coding change: c.4463A>G on transcript NM_033056.4 (MANE Plus Clinical); coding-DNA position 4463, A replaced by G.
Protein change: p.Asn1488Ser; replaces asparagine 1488 with serine.
Molecular consequence: missense variant. On other transcripts: intron variant (8).
Genome position (GRCh38, 1-based): chr10:53,823,263, T>C on the plus strand (A>G on the coding strand, the complement: PCDH15 is on the minus strand). VCF-style: chr10-53823263-T-C. GRCh37 (hg19) VCF-style: chr10-55583023-T-C.
Other names: c.4484A>G, p.Asn1495Ser (NM_001142763.2); c.4469A>G, p.Asn1490Ser (NM_001142764.2); c.4256A>G, p.Asn1419Ser (NM_001142765.2); c.4454A>G, p.Asn1485Ser (NM_001142766.2); c.4343A>G, p.Asn1448Ser (NM_001142767.2); c.4403A>G, p.Asn1468Ser (NM_001142768.2); c.4394A>G, p.Asn1465Ser (NM_001142773.2); c.4397A>G, p.Asn1466Ser (NM_001354404.2); and 6 more; short protein forms N1488S, N1448S, N1465S, N1466S, N1468S, N1485S, N1490S, N1419S.
Identifiers: ClinVar variation 227840 (VCV000227840.14), dbSNP rs201534861, ClinGen allele CA5505276.
Genomic context (GRCh38, chr10:53,823,263, plus strand): 5'-TTCAGTTTGTTGCTCTTAAGTGATCCGTCTACATGAGCTGACTTGTGAGCCTCAATAGTA[T>C]TGGAAGAAAAGGGCATCACAACTTGTTGATGTTTCCTGTCTTCTGAGACTGAGTTATTTC-3'
Protein context (NP_149045.3, residues 1478-1498): HQQVVMPFSS[Asn1488Ser]TIEAHKSAHV

ClinVar aggregate classification (germline): Likely benign. Review status: criteria provided, multiple submitters, no conflicts (2 of 4 stars). 4 submissions from 4 submitters: Likely benign (4). Last evaluated 2026-01-28.

Conditions:
Inborn genetic diseases. Identifiers: MedGen C0950123, MeSH D030342.

Allele frequency attached by ClinVar (database versions not stated): TOPMed 0.00006; 1000 Genomes Project 30x 0.00016; 1000 Genomes Project 0.00020.
gnomAD v4.1: 50 of 1,614,050 alleles (0.0031%); highest among the groups gnomAD compares: East Asian, 0.08%; no homozygotes.

Submissions (4):

Labcorp Genetics (formerly Invitae), Labcorp
Classification: Likely benign. Last evaluated: 2026-01-28. Review status: criteria provided, single submitter. Criteria: Invitae Variant Classification Sherloc (09022015). Collection method: clinical testing. Allele origin: germline.

Blueprint Genetics
Classification: Likely benign. Last evaluated: 2022-10-27. Review status: criteria provided, single submitter. Criteria: ACMG Guidelines, 2015. Collection method: clinical testing. Allele origin: germline.

Ambry Genetics
Classification: Likely benign for Inborn genetic diseases. Last evaluated: 2022-06-30. Review status: criteria provided, single submitter. Criteria: Ambry Variant Classification Scheme 2023. Collection method: clinical testing. Allele origin: germline.

Laboratory for Molecular Medicine, Mass General Brigham Personalized Medicine
Classification: Likely benign. Last evaluated: 2015-04-17. Review status: criteria provided, single submitter. Criteria: LMM Criteria. Collection method: clinical testing. Allele origin: germline. Observed: 1 variant allele.
Comment: p.Asn1488Ser in exon 33 of PCDH15: This variant is not expected to have clinical significance due to a lack of conservation across species, including mammals. O f note, over 10 mammals have a serine (Ser) at this position. Additional computa tional prediction tools do not suggest a high likelihood of impact to the protei n. This variant has been identified in 0.14% (12/8654) of East Asian chromosomes by the Exome Aggregation Consortium (ExAC; dbSN P rs201534861).